The following is an entry in ClinVar:

NM_001042646.3(TRAK1):c.1669A>T (p.Thr557Ser)

Gene: TRAK1 (trafficking kinesin protein 1; plus strand). Cytogenetic location: 3p22.1.
Variant type: single nucleotide variant.
Coding change: c.1669A>T on transcript NM_001042646.3 (MANE Select); coding-DNA position 1669, A replaced by T.
Protein change: p.Thr557Ser; replaces threonine 557 with serine.
Molecular consequence: missense variant. On other transcripts: non-coding transcript variant (1).
Genome position (GRCh38, 1-based): chr3:42,202,677, A>T. VCF-style: chr3-42202677-A-T. GRCh37 (hg19) VCF-style: chr3-42244169-A-T.
Other names: c.1669A>T (NM_001042646.2); c.1669A>T, p.Thr557Ser (NM_001265608.2, NM_001349246.2, NM_001349247.2); c.1447A>T, p.Thr483Ser (NM_001265609.2, NM_001265610.1, NM_001349248.1 and 1 more transcripts); c.1357A>T, p.Thr453Ser (NM_001349245.1); c.1495A>T, p.Thr499Ser (NM_001410741.1, NM_014965.5); short protein forms T499S, T483S, T453S, T557S.
Identifiers: ClinVar variation 2722168 (VCV002722168.20), dbSNP rs116570962, ClinGen allele CA2333549.

ClinVar aggregate classification (germline): Conflicting classifications of pathogenicity. Review status: criteria provided, conflicting classifications (1 of 4 stars). 4 submissions from 4 submitters: Uncertain significance (1); Benign (1); Likely benign (1). 1 of the submissions does not count toward it. Last evaluated 2025-06-23.

Conditions:
TRAK1-related disorder. Also called: TRAK1-related condition.

Allele frequency attached by ClinVar (database versions not stated): ESP Exome Variant Server 0.00177; 1000 Genomes Project 0.00419; 1000 Genomes Project 30x 0.00422.
gnomAD v4.1: 721 of 1,613,466 alleles (0.045%); highest among the groups gnomAD compares: African/African-American, 0.88%; 3 homozygotes.

Submissions (4):

Labcorp Genetics (formerly Invitae), Labcorp
Classification: Benign. Last evaluated: 2025-06-23. Review status: criteria provided, single submitter. Criteria: Invitae Variant Classification Sherloc (09022015). Collection method: clinical testing. Allele origin: germline.

Blueprint Genetics
Classification: Uncertain significance. Last evaluated: 2024-11-14. Review status: criteria provided, single submitter. Criteria: ACMG Guidelines, 2015. Collection method: clinical testing. Allele origin: germline.

CeGaT Center for Human Genetics Tuebingen
Classification: Likely benign. Last evaluated: 2024-11-01. Review status: criteria provided, single submitter. Criteria: CeGaT Center For Human Genetics Tuebingen Variant Classification Criteria Version 2. Collection method: clinical testing. Allele origin: germline. Affected: yes. Observed: 1 variant allele.
Comment: TRAK1: BS2

PreventionGenetics, part of Exact Sciences
Classification: Benign for TRAK1-related condition. Last evaluated: 2019-04-26. Review status: no assertion criteria provided. Collection method: clinical testing. Allele origin: germline. Not counted in ClinVar's aggregate classification.
Comment: This variant is classified as benign based on ACMG/AMP sequence variant interpretation guidelines (Richards et al. 2015 PMID: 25741868, with internal and published modifications).